The following is an entry in ClinVar:

ClinVar aggregate classification (germline): Likely pathogenic (1 of 4 stars; one submission).

Submission:

CeGaT Center for Human Genetics Tuebingen
Classification: Likely pathogenic. Last evaluated: 2024-10-01. Review status: criteria provided, single submitter. Criteria: CeGaT Center For Human Genetics Tuebingen Variant Classification Criteria Version 2. Collection method: clinical testing. Allele origin: germline. Affected: yes. Observed: 3 variant alleles.
Comment: ECHS1: PM2, PM3, PP4:Moderate, PM5:Supporting

NM_004092.4(ECHS1):c.473C>T (p.Ala158Val)

Gene: ECHS1 (enoyl-CoA hydratase, short chain 1; minus strand). Cytogenetic location: 10q26.3.
Variant type: single nucleotide variant.
Coding change: c.473C>T on transcript NM_004092.4 (MANE Select); coding-DNA position 473, C replaced by T.
Protein change: p.Ala158Val; replaces alanine 158 with valine.
Molecular consequence: missense variant.
Genome position (GRCh38, 1-based): chr10:133,368,964, G>A on the plus strand (C>T on the coding strand, the complement: ECHS1 is on the minus strand). VCF-style: chr10-133368964-G-A. GRCh37 (hg19) VCF-style: chr10-135182468-G-A.
Other names: short protein forms A158V.
Identifiers: ClinVar variation 3257481 (VCV003257481.17).
Genomic context (GRCh38, chr10:133,368,964, plus strand): 5'-AGACAGTGTCACTCTTTACCTGGGATGGTTCCTATTAAGATCTCCGGCTGTGCAAACTGG[G>A]CCTTCTCACCGGCATAGATGATATCACACATCATGGCAAGCTCACAGCCCCCGCCAAACT-3'
Protein context (NP_004083.3, residues 148-168): MCDIIYAGEK[Ala158Val]QFAQPEILIG